The following is an entry in ClinVar:

NM_006767.4(LZTR1):c.1696T>C (p.Cys566Arg)

Gene: LZTR1 (leucine zipper like post translational regulator 1; plus strand). Cytogenetic location: 22q11.21.
Variant type: single nucleotide variant.
Coding change: c.1696T>C on transcript NM_006767.4 (MANE Select); coding-DNA position 1696, T replaced by C.
Protein change: p.Cys566Arg; replaces cysteine 566 with arginine.
Molecular consequence: missense variant.
Genome position (GRCh38, 1-based): chr22:20,994,638, T>C. VCF-style: chr22-20994638-T-C. GRCh37 (hg19) VCF-style: chr22-21348927-T-C.
Other names: short protein forms C566R.
Identifiers: ClinVar variation 1778239 (VCV001778239.7), dbSNP rs751544570, ClinGen allele CA10119023.

ClinVar aggregate classification (germline): Uncertain significance. Review status: criteria provided, multiple submitters, no conflicts (2 of 4 stars). 3 submissions from 3 submitters: Uncertain significance (3). Last evaluated 2024-06-29.

Conditions:
LZTR1-related schwannomatosis. Also called: Schwannomatosis 2; Schwannomatosis-2, susceptibility to. Identifiers: Orphanet 93921, MedGen C3810283, MONDO:0014299, OMIM 615670.
Noonan syndrome 2 (NS2). Identifiers: Orphanet 648, MedGen C1854469, MONDO:0011531, OMIM 605275.
Noonan syndrome 10 (NS10). Identifiers: Orphanet 648, MedGen C4225280, MONDO:0014693, OMIM 616564.
Hereditary cancer-predisposing syndrome. Also called: Hereditary neoplastic syndrome; Neoplastic Syndromes, Hereditary; Tumor predisposition; Hereditary Cancer Syndrome. Identifiers: Orphanet 140162, MedGen C0027672, MeSH D009386, MONDO:0015356.
Cardiovascular phenotype. Identifiers: MedGen CN230736.

Allele frequency attached by ClinVar (database versions not stated): gnomAD exomes below 0.00001; TOPMed below 0.00001; ExAC 0.00001; gnomAD 0.00001.

Submissions (3):

Labcorp Genetics (formerly Invitae), Labcorp
Classification: Uncertain significance. Last evaluated: 2024-06-29. Review status: criteria provided, single submitter. Criteria: Invitae Variant Classification Sherloc (09022015). Collection method: clinical testing. Allele origin: germline.
Comment: This sequence change replaces cysteine, which is neutral and slightly polar, with arginine, which is basic and polar, at codon 566 of the LZTR1 protein (p.Cys566Arg). This variant is present in population databases (rs751544570, gnomAD 0.007%). This variant has not been reported in the literature in individuals affected with LZTR1-related conditions. ClinVar contains an entry for this variant (Variation ID: 1778239). Advanced modeling of protein sequence and biophysical properties (such as structural, functional, and spatial information, amino acid conservation, physicochemical variation, residue mobility, and thermodynamic stability) performed at Invitae indicates that this missense variant is not expected to disrupt LZTR1 protein function with a negative predictive value of 80%. In summary, the available evidence is currently insufficient to determine the role of this variant in disease. Therefore, it has been classified as a Variant of Uncertain Significance.

Ambry Genetics
Classification: Uncertain significance for Cardiovascular phenotype; Hereditary cancer-predisposing syndrome. Last evaluated: 2021-09-10. Review status: criteria provided, single submitter. Criteria: Ambry Variant Classification Scheme 2023. Collection method: clinical testing. Allele origin: germline.
Comment: The p.C566R variant (also known as c.1696T>C), located in coding exon 15 of the LZTR1 gene, results from a T to C substitution at nucleotide position 1696. The cysteine at codon 566 is replaced by arginine, an amino acid with highly dissimilar properties. This amino acid position is highly conserved in available vertebrate species. In addition, this alteration is predicted to be deleterious by in silico analysis. Since supporting evidence is limited at this time, the clinical significance of this alteration remains unclear.

Juno Genomics, Hangzhou Juno Genomics, Inc
Classification: Uncertain significance for LZTR1-related schwannomatosis; Noonan syndrome 10; Noonan syndrome 2. Review status: criteria provided, single submitter. Criteria: ACMG Guidelines, 2015. Collection method: clinical testing. Allele origin: germline.
Comment: Absent from controls (or at extremely low frequency if recessive) in Genome Aggregation Database.;Multiple lines of computational evidence support a deleterious effect on the gene or gene product.